The following is an entry in ClinVar:

ClinVar aggregate classification (germline): Likely pathogenic (1 of 4 stars; one submission).

Submission:

GeneDx
Classification: Likely pathogenic. Last evaluated: 2023-02-06. Review status: criteria provided, single submitter. Criteria: GeneDx Variant Classification Process June 2021. Collection method: clinical testing. Allele origin: germline. Affected: yes.
Comment: Frameshift variant predicted to result in protein truncation or nonsense mediated decay in a gene for which loss of function is a known mechanism of disease; Not observed at significant frequency in large population cohorts (gnomAD); Has not been previously published as pathogenic or benign to our knowledge

NM_001278512.2(AP3B2):c.2246_2247del (p.Gly749fs)

Genes: AP3B2 (adaptor related protein complex 3 subunit beta 2; minus strand), CPEB1-AS1 (CPEB1 antisense RNA 1; plus strand). Cytogenetic location: 15q25.2.
Variant type: Deletion.
Coding change: c.2246_2247del on transcript NM_001278512.2 (MANE Select); coding-DNA positions 2246 to 2247, 2 bases deleted (GG; older notation c.2246_2247delGG).
Protein change: p.Gly749fs; shifts the reading frame from glycine 749.
Molecular consequence: frameshift variant.
Genome position (GRCh38, 1-based): chr15:82,664,381-82,664,382, CC deleted on the plus strand (GG on the coding strand, the reverse complement: AP3B2 is on the minus strand); deleting any 2 consecutive bases within chr15:82,664,381-82,664,383 gives the same sequence; the c. name uses the placement nearest the transcript's 3' end. VCF-style (leftmost placement, unchanged base first): chr15-82664380-TCC-T. GRCh37 (hg19) VCF-style: chr15-83333132-TCC-T.
Other names: c.2093_2094del, p.Gly698fs (NM_001278511.2); c.2189_2190del, p.Gly730fs (NM_004644.5); short protein forms G698fs, G730fs, G749fs.
Identifiers: ClinVar variation 2574919 (VCV002574919.1), dbSNP rs2548697395, ClinGen allele CA2580612705.